The following is an entry in ClinVar:

ClinVar aggregate classification (germline): Uncertain significance (1 of 4 stars; one submission).

Conditions:
Predisposition to invasive fungal disease due to CARD9 deficiency (IMD103). Also called: CARD9 IMMUNODEFICIENCY; IMMUNODEFICIENCY 103, SUSCEPTIBILITY TO FUNGAL INFECTIONS; Candidiasis, familial, 2, autosomal recessive. Identifiers: Orphanet 457088, MedGen C1859353, MONDO:0008905, OMIM 212050.

gnomAD v4.1: 10 of 1,611,086 alleles (0.00062%); highest among the groups gnomAD compares: South Asian, 0.0033%; no homozygotes.

Submission:

Labcorp Genetics (formerly Invitae), Labcorp
Classification: Uncertain significance for Predisposition to invasive fungal disease due to CARD9 deficiency. Last evaluated: 2025-12-22. Review status: criteria provided, single submitter. Criteria: Invitae Variant Classification Sherloc (09022015). Collection method: clinical testing. Allele origin: germline.
Comment: This sequence change replaces arginine, which is basic and polar, with cysteine, which is neutral and slightly polar, at codon 188 of the CARD9 protein (p.Arg188Cys). The frequency data for this variant in the population databases is considered unreliable, as metrics indicate poor data quality at this position in the gnomAD database. This variant has not been reported in the literature in individuals affected with CARD9-related conditions. Invitae Evidence Modeling of protein sequence and biophysical properties (such as structural, functional, and spatial information, amino acid conservation, physicochemical variation, residue mobility, and thermodynamic stability) indicates that this missense variant is not expected to disrupt CARD9 protein function with a negative predictive value of 80%. In summary, the available evidence is currently insufficient to determine the role of this variant in disease. Therefore, it has been classified as a Variant of Uncertain Significance.

NM_052813.5(CARD9):c.562C>T (p.Arg188Cys)

Gene: CARD9 (caspase recruitment domain family member 9; minus strand). Cytogenetic location: 9q34.3.
Variant type: single nucleotide variant.
Coding change: c.562C>T on transcript NM_052813.5 (MANE Select); coding-DNA position 562, C replaced by T.
Protein change: p.Arg188Cys; replaces arginine 188 with cysteine.
Molecular consequence: missense variant.
Genome position (GRCh38, 1-based): chr9:136,370,906, G>A on the plus strand (C>T on the coding strand, the complement: CARD9 is on the minus strand). VCF-style: chr9-136370906-G-A. GRCh37 (hg19) VCF-style: chr9-139265358-G-A.
Other names: c.562C>T, p.Arg188Cys (NM_052814.4); short protein forms R188C.
Identifiers: ClinVar variation 4704276 (VCV004704276.1).